The following is an entry in ClinVar:

ClinVar aggregate classification (germline): Likely benign. Review status: criteria provided, multiple submitters, no conflicts (2 of 4 stars). 3 submissions from 3 submitters: Likely benign (2). 1 of the submissions does not count toward it. Last evaluated 2026-01-14.

Conditions:
OPN1SW-related disorder. Also called: OPN1SW-related condition.

Allele frequency attached by ClinVar (database versions not stated): ESP Exome Variant Server 0.00080; TOPMed 0.00090; ExAC 0.00132; gnomAD exomes 0.00137 and 0.00173; gnomAD 0.00145 and 0.00149.

Submissions (3):

Labcorp Genetics (formerly Invitae), Labcorp
Classification: Likely benign. Last evaluated: 2026-01-14. Review status: criteria provided, single submitter. Criteria: Invitae Variant Classification Sherloc (09022015). Collection method: clinical testing. Allele origin: germline.

Blueprint Genetics
Classification: Likely benign. Last evaluated: 2024-11-21. Review status: criteria provided, single submitter. Criteria: ACMG Guidelines, 2015. Collection method: clinical testing. Allele origin: germline.

PreventionGenetics, part of Exact Sciences
Classification: Likely benign for OPN1SW-related condition. Last evaluated: 2019-12-02. Review status: no assertion criteria provided. Collection method: clinical testing. Allele origin: germline. Not counted in ClinVar's aggregate classification.
Comment: This variant is classified as likely benign based on ACMG/AMP sequence variant interpretation guidelines (Richards et al. 2015 PMID: 25741868, with internal and published modifications).

NM_001385125.1(OPN1SW):c.678+5del

Gene: OPN1SW (opsin 1, short wave sensitive; minus strand). Cytogenetic location: 7q32.1.
Variant type: Deletion.
Coding change: c.678+5del on transcript NM_001385125.1 (MANE Select); 5 bases into the intron after coding-DNA position 678, one base deleted (G; older notation c.678+5delG).
Molecular consequence: intron variant.
Genome position (GRCh38, 1-based): chr7:128,774,493, C deleted on the plus strand (G on the coding strand, the reverse complement: OPN1SW is on the minus strand). VCF-style (leftmost placement, unchanged base first): chr7-128774492-AC-A. GRCh37 (hg19) VCF-style: chr7-128414546-AC-A.
Other names: NM_001708.2:c.687+5delG.
Identifiers: ClinVar variation 1081214 (VCV001081214.12), dbSNP rs566440181, ClinGen allele CA4472885.